The following is an entry in ClinVar:

ClinVar aggregate classification (germline): Conflicting classifications of pathogenicity. Review status: criteria provided, conflicting classifications (1 of 4 stars). 2 submissions from 2 submitters: Uncertain significance (1); Likely benign (1). Last evaluated 2026-04-29.

Conditions:
Cardiovascular phenotype. Identifiers: MedGen CN230736.
Aortic valve disease 2 (AOVD2). Identifiers: MedGen C3542024, MONDO:0013902, OMIM 614823.

Allele frequency attached by ClinVar (database versions not stated): TOPMed below 0.00001; gnomAD 0.00002.
gnomAD v4.1: 17 of 1,614,096 alleles (0.0011%); highest among the groups gnomAD compares: Admixed American, 0.0017%; no homozygotes.

Submissions (2):

Ambry Genetics
Classification: Uncertain significance for Cardiovascular phenotype. Last evaluated: 2026-04-29. Review status: criteria provided, single submitter. Criteria: Ambry Variant Classification Scheme 2023. Collection method: clinical testing. Allele origin: germline.
Comment: The p.S498Y variant (also known as c.1493C>A), located in coding exon 8 of the TBX5 gene, results from a C to A substitution at nucleotide position 1493. The serine at codon 498 is replaced by tyrosine, an amino acid with dissimilar properties. This variant was reported in individual(s) with features consistent with Ebstein anomaly (Sicko RJ et al. PLoS One, 2016 Oct;11:e0165174). This amino acid position is highly conserved in available vertebrate species. In addition, this alteration is predicted to be deleterious by in silico analysis. Based on the available evidence, the clinical significance of this variant remains unclear.

Labcorp Genetics (formerly Invitae), Labcorp
Classification: Likely benign for Aortic valve disease 2. Last evaluated: 2025-08-29. Review status: criteria provided, single submitter. Criteria: Invitae Variant Classification Sherloc (09022015). Collection method: clinical testing. Allele origin: germline.

Literature cited by the submitters: PubMed 27788187 (cited by Ambry Genetics).

NM_181486.4(TBX5):c.1493C>A (p.Ser498Tyr)

Gene: TBX5 (T-box transcription factor 5; minus strand). Cytogenetic location: 12q24.21.
Variant type: single nucleotide variant.
Coding change: c.1493C>A on transcript NM_181486.4 (MANE Select); coding-DNA position 1493, C replaced by A.
Protein change: p.Ser498Tyr; replaces serine 498 with tyrosine.
Molecular consequence: missense variant.
Genome position (GRCh38, 1-based): chr12:114,355,596, G>T on the plus strand (C>A on the coding strand, the complement: TBX5 is on the minus strand). VCF-style: chr12-114355596-G-T. GRCh37 (hg19) VCF-style: chr12-114793401-G-T.
Other names: c.1493C>A, p.Ser498Tyr (NM_000192.3); c.1343C>A, p.Ser448Tyr (NM_080717.4); short protein forms S448Y, S498Y.
Identifiers: ClinVar variation 1485295 (VCV001485295.7), dbSNP rs1474068722, ClinGen allele CA386924952.